The following is an entry in ClinVar:

ClinVar aggregate classification (germline): Uncertain significance (1 of 4 stars; one submission).

Conditions:
Primary immunodeficiency with post-measles-mumps-rubella vaccine viral infection. Also called: Immunodeficiency 44. Identifiers: Orphanet 431166, MedGen C4225260, MONDO:0014715, OMIM 616636.

Submission:

Labcorp Genetics (formerly Invitae), Labcorp
Classification: Uncertain significance for Primary immunodeficiency with post-measles-mumps-rubella vaccine viral infection. Last evaluated: 2022-08-22. Review status: criteria provided, single submitter. Criteria: Invitae Variant Classification Sherloc (09022015). Collection method: clinical testing. Allele origin: germline.
Comment: In summary, the available evidence is currently insufficient to determine the role of this variant in disease. Therefore, it has been classified as a Variant of Uncertain Significance. Experimental studies and prediction algorithms are not available or were not evaluated, and the functional significance of this variant is currently unknown. This variant has not been reported in the literature in individuals affected with STAT2-related conditions. This variant is a gross deletion of the genomic region encompassing exon(s) 20-22 of the STAT2 gene. This variant would be expected to be in-frame, preserving the integrity of the reading frame.

NC_000012.11:g.(?_56739910)_(56740759_?)del

Gene: STAT2 (signal transducer and activator of transcription 2; minus strand). Cytogenetic location: 12q13.3.
Variant type: Deletion.
Identifiers: ClinVar variation 2425349 (VCV002425349.3).